The following is an entry in ClinVar:

NM_000143.4(FH):c.654T>G (p.Leu218=)

Gene: FH (fumarate hydratase; minus strand). Cytogenetic location: 1q43.
Variant type: single nucleotide variant.
Coding change: c.654T>G on transcript NM_000143.4 (MANE Select); coding-DNA position 654, T replaced by G.
Protein change: p.Leu218=; no amino-acid change (leucine 218 retained).
Molecular consequence: synonymous variant.
Genome position (GRCh38, 1-based): chr1:241,508,687, A>C on the plus strand (T>G on the coding strand, the complement: FH is on the minus strand). VCF-style: chr1-241508687-A-C. GRCh37 (hg19) VCF-style: chr1-241671987-A-C.
Identifiers: ClinVar variation 1754162 (VCV001754162.8), dbSNP rs889431365, ClinGen allele CA40329521.

ClinVar aggregate classification (germline): Benign/Likely benign. Review status: criteria provided, multiple submitters, no conflicts (2 of 4 stars). 3 submissions from 3 submitters: Benign (1); Likely benign (2). Last evaluated 2025-02-10.

Conditions:
Hereditary leiomyomatosis and renal cell cancer. Also called: MULTIPLE CUTANEOUS AND UTERINE LEIOMYOMATA 1, WITH OR WITHOUT RENAL CELL CARCINOMA; LEIOMYOMA, MULTIPLE CUTANEOUS; Reed syndrome; Multiple cutaneous and uterine leiomyomatosis; Cutaneous leiomyomata with uterine leiomyomata; Leiomyoma, hereditary multiple, of skin. Identifiers: Orphanet 523, MedGen C1708350, MONDO:0007888, OMIM 150800, HP:0007437. Disease mechanism: loss of function.
Hereditary cancer-predisposing syndrome. Also called: Neoplastic Syndromes, Hereditary; Tumor predisposition; Hereditary Cancer Syndrome; Hereditary neoplastic syndrome. Identifiers: Orphanet 140162, MedGen C0027672, MeSH D009386, MONDO:0015356.

Allele frequency attached by ClinVar (database versions not stated): TOPMed below 0.00001.

Submissions (3):

Labcorp Genetics (formerly Invitae), Labcorp
Classification: Likely benign. Last evaluated: 2025-02-10. Review status: criteria provided, single submitter. Criteria: Invitae Variant Classification Sherloc (09022015). Collection method: clinical testing. Allele origin: germline.

Myriad Genetics, Inc.
Classification: Benign for Hereditary leiomyomatosis and renal cell cancer. Last evaluated: 2024-10-18. Review status: criteria provided, single submitter. Criteria: Myriad Autosomal Dominant, Autosomal Recessive and X-Linked Classification Criteria (2023). Collection method: clinical testing. Allele origin: unknown.
Comment: This variant is considered benign. This variant is a silent/synonymous amino acid change and it is not expected to impact splicing.

Ambry Genetics
Classification: Likely benign for Hereditary cancer-predisposing syndrome. Last evaluated: 2021-03-27. Review status: criteria provided, single submitter. Criteria: Ambry Variant Classification Scheme 2023. Collection method: clinical testing. Allele origin: germline.